The following is an entry in ClinVar:

ClinVar aggregate classification (germline): Likely benign. Review status: criteria provided, multiple submitters, no conflicts (2 of 4 stars). 3 submissions from 3 submitters: Likely benign (3). Last evaluated 2020-02-21.

Conditions:
Methylmalonic acidemia with homocystinuria, type cblJ (MAHCJ). Also called: METHYLMALONIC ACIDURIA AND HOMOCYSTINURIA, cblJ TYPE. Identifiers: Orphanet 369955, MedGen C3553915, MONDO:0013925, OMIM 614857.

Allele frequency attached by ClinVar (database versions not stated): gnomAD exomes 0.00001; gnomAD 0.00002.
gnomAD v4.1: 11 of 1,614,050 alleles (0.00068%); highest among the groups gnomAD compares: African/African-American, 0.013%; no homozygotes.

Submissions (3):

Labcorp Genetics (formerly Invitae), Labcorp
Classification: Likely benign for Methylmalonic acidemia with homocystinuria, type cblJ. Last evaluated: 2020-02-21. Review status: criteria provided, single submitter. Criteria: Invitae Variant Classification Sherloc (09022015). Collection method: clinical testing. Allele origin: germline.

GeneDx
Classification: Likely benign. Last evaluated: 2016-02-16. Review status: criteria provided, single submitter. Criteria: GeneDx Variant Classification (06012015). Collection method: clinical testing. Allele origin: germline. Affected: yes.
Comment: This variant is considered likely benign or benign based on one or more of the following criteria: it is a conservative change, it occurs at a poorly conserved position in the protein, it is predicted to be benign by multiple in silico algorithms, and/or has population frequency not consistent with disease.

Breakthrough Genomics
Classification: Likely benign. Review status: criteria provided, single submitter. Criteria: ACMG Guidelines, 2015. Collection method: not provided. Allele origin: germline. Inheritance: Autosomal recessive inheritance. Affected: yes.

NM_005050.4(ABCD4):c.1704G>A (p.Gln568=)

Gene: ABCD4 (ATP binding cassette subfamily D member 4; minus strand). Cytogenetic location: 14q24.3.
Variant type: single nucleotide variant.
Coding change: c.1704G>A on transcript NM_005050.4 (MANE Select); coding-DNA position 1704, G replaced by A.
Protein change: p.Gln568=; no amino-acid change (glutamine 568 retained).
Molecular consequence: synonymous variant. On other transcripts: 3 prime UTR variant (1), non-coding transcript variant (10).
Genome position (GRCh38, 1-based): chr14:74,286,749, C>T on the plus strand (G>A on the coding strand, the complement: ABCD4 is on the minus strand). VCF-style: chr14-74286749-C-T. GRCh37 (hg19) VCF-style: chr14-74753452-C-T.
Other names: c.1290G>A, p.Gln430= (NM_001353595.2, NM_001353596.2); c.1239G>A, p.Gln413= (NM_001353597.2); c.1227G>A, p.Gln409= (NM_001353598.2, NM_001353599.2, NM_001353600.2 and 2 more transcripts); c.915G>A, p.Gln305= (NM_001353602.2, NM_001353603.2, NM_001353604.2 and 5 more transcripts); c.*41G>A (NM_001353610.2); c.1704G>A, p.Gln568= (NM_020325.3); c.1578G>A, p.Gln526= (NM_001353591.2, NM_001353592.2); c.1443G>A, p.Gln481= (NM_001353593.2); and 1 more.
Identifiers: ClinVar variation 382994 (VCV000382994.6), dbSNP rs141766346, ClinGen allele CA16607678.
Genomic context (GRCh38, chr14:74,286,749, plus strand): 5'-GAGCACGGGTACCTTCTCAAGGCTCTGCCGATGTCCCACACTGATGAACGTCATCCCCAG[C>T]TGCTGGCCGATGCGATAGAGCTCGCTCTCCACTTCCTCTGTCAGGGCACTGGTGGCTTCA-3'
Protein context (NP_005041.1, residues 558-578): VESELYRIGQ[Gln568=]LGMTFISVGH